The following is an entry in ClinVar:

NM_003820.4(TNFRSF14):c.552-140C>T

Gene: TNFRSF14 (TNF receptor superfamily member 14; plus strand). Cytogenetic location: 1p36.32.
Variant type: single nucleotide variant.
Coding change: c.552-140C>T on transcript NM_003820.4 (MANE Select); 140 bases into the intron before coding-DNA position 552, C replaced by T.
Molecular consequence: intron variant.
Genome position (GRCh38, 1-based): chr1:2,561,533, C>T. VCF-style: chr1-2561533-C-T. GRCh37 (hg19) VCF-style: chr1-2492972-C-T.
Other names: c.551+819C>T (NM_001297605.2).
Identifiers: ClinVar variation 133417 (VCV000133417.1), dbSNP rs587778000, ClinGen allele CA156509.
Genomic context (GRCh38, chr1:2,561,533, plus strand): 5'-CTTCTCTCCACCTCCCCATAGCCGAGCTTGGAAAAGTCAGACAGACCTCTGAGGTCTCAT[C>T]CTGGAGCTGCCACCAGCCCAGCCTCCCTGGGACCTGTCTTCACTGCCTGGGGCCCTGGGA-3'

ClinVar aggregate classification (germline): not provided (0 of 4 stars; one submission).

Allele frequency attached by ClinVar (database versions not stated): gnomAD exomes 0.00001.
gnomAD v4.1: 7 of 1,559,438 alleles (0.00045%); highest among the groups gnomAD compares: Non-Finnish European, 0.00061%; no homozygotes.

Submission:

ITMI
No classification provided. Condition: AllHighlyPenetrant. Last evaluated: 2013-09-19. Review status: no classification provided. Collection method: reference population. Allele origin: germline.
Comment: Please see associated publication for description of ethnicities

Literature cited by the submitters: PubMed 24728327.